The following is an entry in ClinVar:

NM_002474.3(MYH11):c.267C>T (p.Asp89=)

Gene: MYH11 (myosin heavy chain 11; minus strand). Cytogenetic location: 16p13.11.
Variant type: single nucleotide variant.
Coding change: c.267C>T on transcript NM_002474.3 (MANE Select); coding-DNA position 267, C replaced by T.
Protein change: p.Asp89=; no amino-acid change (aspartic acid 89 retained).
Molecular consequence: synonymous variant.
Genome position (GRCh38, 1-based): chr16:15,837,986, G>A on the plus strand (C>T on the coding strand, the complement: MYH11 is on the minus strand). VCF-style: chr16-15837986-G-A. GRCh37 (hg19) VCF-style: chr16-15931843-G-A.
Other names: c.267C>T, p.Asp89= (NM_001040113.2, NM_001040114.2, NM_022844.3).
Identifiers: ClinVar variation 923816 (VCV000923816.7), dbSNP rs775840903, ClinGen allele CA494102531.
Genomic context (GRCh38, chr16:15,837,986, plus strand): 5'-GTACCGCTCCCTCAGGTTGTGTAGCACGGAGGCTTCGTTGAGGCACGTCAGCTCCGCCAT[G>A]TCCTCCACCTTGGAGAACTTGGGTGGGTTCATCTTCTGGATGTCATCTTTCCCAACCGTG-3'
Protein context (NP_002465.1, residues 79-99): MNPPKFSKVE[Asp89=]MAELTCLNEA

ClinVar aggregate classification (germline): Likely benign. Review status: criteria provided, multiple submitters, no conflicts (2 of 4 stars). 3 submissions from 3 submitters: Likely benign (3). Last evaluated 2024-04-16.

Conditions:
Aortic aneurysm, familial thoracic 4 (AAT4). Also called: AORTIC ANEURYSM/AORTIC DISSECTION AND PATENT DUCTUS ARTERIOSUS. Identifiers: MedGen C1851504, MONDO:0007568, OMIM 132900.
Familial thoracic aortic aneurysm and aortic dissection (TAAD). Also called: Thoracic aortic aneurysms and dissections. Identifiers: Orphanet 91387, MedGen C4707243, MONDO:0019625.

Submissions (3):

All of Us Research Program, National Institutes of Health
Classification: Likely benign for Familial thoracic aortic aneurysm and aortic dissection. Last evaluated: 2024-04-16. Review status: criteria provided, single submitter. Criteria: ACMG Guidelines, 2015. Collection method: clinical testing. Allele origin: germline. Inheritance: Autosomal dominant inheritance. Observed: 2 variant alleles, 2 heterozygotes.
Comment: This study involves interpretation of variants in research participants for the purpose of population health screening. Participant phenotype was not available at the time of variant classification. Additional details can be found in publication PMID: 35346344, PMCID: PMC8962531

Labcorp Genetics (formerly Invitae), Labcorp
Classification: Likely benign for Aortic aneurysm, familial thoracic 4. Last evaluated: 2023-01-26. Review status: criteria provided, single submitter. Criteria: Invitae Variant Classification Sherloc (09022015). Collection method: clinical testing. Allele origin: germline.

Color Diagnostics, LLC DBA Color Health
Classification: Likely benign for Familial thoracic aortic aneurysm and aortic dissection. Last evaluated: 2019-12-16. Review status: criteria provided, single submitter. Criteria: ACMG Guidelines, 2015. Collection method: clinical testing. Allele origin: germline.